The following is an entry in ClinVar:

ClinVar aggregate classification (germline): Uncertain significance (1 of 4 stars; one submission).

Conditions:
Baller-Gerold syndrome (BGS). Also called: CRANIOSYNOSTOSIS WITH RADIAL DEFECTS. Identifiers: Orphanet 1225, MedGen C0265308, MONDO:0009039, OMIM 218600.

Allele frequency attached by ClinVar (database versions not stated): gnomAD exomes 0.00001; gnomAD 0.00004 and 0.00005; TOPMed 0.00004; ExAC 0.00005.

Submission:

Labcorp Genetics (formerly Invitae), Labcorp
Classification: Uncertain significance for Baller-Gerold syndrome. Last evaluated: 2025-08-07. Review status: criteria provided, single submitter. Criteria: Invitae Variant Classification Sherloc (09022015). Collection method: clinical testing. Allele origin: germline.
Comment: This sequence change replaces valine, which is neutral and non-polar, with alanine, which is neutral and non-polar, at codon 842 of the RECQL4 protein (p.Val842Ala). The frequency data for this variant in the population databases is considered unreliable, as metrics indicate poor data quality at this position in the gnomAD database. This variant has not been reported in the literature in individuals affected with RECQL4-related conditions. ClinVar contains an entry for this variant (Variation ID: 846865). Invitae Evidence Modeling of protein sequence and biophysical properties (such as structural, functional, and spatial information, amino acid conservation, physicochemical variation, residue mobility, and thermodynamic stability) indicates that this missense variant is expected to disrupt RECQL4 protein function with a positive predictive value of 80%. In summary, the available evidence is currently insufficient to determine the role of this variant in disease. Therefore, it has been classified as a Variant of Uncertain Significance.

NM_004260.4(RECQL4):c.2525T>C (p.Val842Ala)

Gene: RECQL4 (RecQ like helicase 4; minus strand). Cytogenetic location: 8q24.3.
Variant type: single nucleotide variant.
Coding change: c.2525T>C on transcript NM_004260.4 (MANE Select); coding-DNA position 2525, T replaced by C.
Protein change: p.Val842Ala; replaces valine 842 with alanine.
Molecular consequence: missense variant.
Genome position (GRCh38, 1-based): chr8:144,513,077, A>G on the plus strand (T>C on the coding strand, the complement: RECQL4 is on the minus strand). VCF-style: chr8-144513077-A-G. GRCh37 (hg19) VCF-style: chr8-145738460-A-G.
Other names: short protein forms V842A.
Identifiers: ClinVar variation 846865 (VCV000846865.6), dbSNP rs749829542, ClinGen allele CA4948199.